The following is an entry in ClinVar:

ClinVar aggregate classification (germline): Likely benign (1 of 4 stars; one submission).

Conditions:
Familial cancer of breast. Also called: BREAST CANCER, FAMILIAL; Hereditary breast cancer; hereditary breast carcinoma. Identifiers: Orphanet 227535, MedGen C0346153, MONDO:0016419, OMIM 114480. Disease mechanism: loss of function.

gnomAD v4.1: 1 of 1,344,594 alleles (0.000074%); highest among the groups gnomAD compares: Non-Finnish European, 0.00011%; no homozygotes.

Submission:

Department of Clinical Genetics, Copenhagen University Hospital, Rigshospitalet
Classification: Likely benign for Familial cancer of breast. Last evaluated: 2026-02-04. Review status: criteria provided, single submitter. Criteria: ACMG Guidelines, 2015. Collection method: clinical testing. Allele origin: germline.
Comment: The following ACMG criteria has been used: PM2_SUP (not reported in gnomAD v.3.1 - non-cancer); BP4 (SpliceAI < 0.1); BP7

NM_007294.4(BRCA1):c.5332+84G>A

Gene: BRCA1 (BRCA1 DNA repair associated; minus strand). Cytogenetic location: 17q21.31.
Variant type: single nucleotide variant.
Coding change: c.5332+84G>A on transcript NM_007294.4 (MANE Select); 84 bases into the intron after coding-DNA position 5332, G replaced by A.
Molecular consequence: intron variant.
Genome position (GRCh38, 1-based): chr17:43,050,979, C>T on the plus strand (G>A on the coding strand, the complement: BRCA1 is on the minus strand). VCF-style: chr17-43050979-C-T. GRCh37 (hg19) VCF-style: chr17-41202996-C-T.
Other names: c.1879+84G>A (NM_001408458.1, NM_001408461.1, NM_001408465.1 and 7 more transcripts); c.4441+84G>A (NM_001407967.1); c.4951+84G>A (NM_001407959.1); c.5065+84G>A (NM_001407931.1, NM_001407930.1, NM_001407933.1 and 4 more transcripts); c.5188+84G>A (NM_001407747.1, NM_001407745.1, NM_001407737.1 and 21 more transcripts); c.4948+84G>A (NM_001407962.1, NM_001407960.1); c.1519+84G>A (NM_001408512.1); c.1642+84G>A (NM_001408510.1); and 74 more.
Identifiers: ClinVar variation 4871829 (VCV004871829.1).